The following is an entry in ClinVar:

ClinVar aggregate classification (germline): Uncertain significance. Review status: criteria provided, single submitter (1 of 4 stars). 2 submissions from 2 submitters: Uncertain significance (1). 1 of the submissions does not count toward it. Last evaluated 2024-02-05.

Conditions:
Holoprosencephaly 4 (HPE4). Identifiers: Orphanet 2162, MedGen C1840528, MONDO:0007734, OMIM 142946.

Allele frequency attached by ClinVar (database versions not stated): TOPMed below 0.00001; ExAC 0.00001; gnomAD exomes 0.00001.
gnomAD v4.1: 9 of 1,614,228 alleles (0.00056%); highest among the groups gnomAD compares: Middle Eastern, 0.016%; no homozygotes.

Submissions (2):

Labcorp Genetics (formerly Invitae), Labcorp
Classification: Uncertain significance for Holoprosencephaly 4. Last evaluated: 2024-02-05. Review status: criteria provided, single submitter. Criteria: Invitae Variant Classification Sherloc (09022015). Collection method: clinical testing. Allele origin: germline.
Comment: This sequence change replaces serine, which is neutral and polar, with phenylalanine, which is neutral and non-polar, at codon 162 of the TGIF1 protein (p.Ser162Phe). This variant is present in population databases (rs121909069, gnomAD 0.002%). This missense change has been observed in individual(s) with holoprosencephaly (PMID: 10835638). ClinVar contains an entry for this variant (Variation ID: 6982). Advanced modeling of protein sequence and biophysical properties (such as structural, functional, and spatial information, amino acid conservation, physicochemical variation, residue mobility, and thermodynamic stability) performed at Invitae indicates that this missense variant is not expected to disrupt TGIF1 protein function with a negative predictive value of 80%. Experimental studies have shown that this missense change does not substantially affect TGIF1 function (PMID: 10835638). In summary, the available evidence is currently insufficient to determine the role of this variant in disease. Therefore, it has been classified as a Variant of Uncertain Significance.

OMIM
Classification: Pathogenic for HOLOPROSENCEPHALY 4. Last evaluated: 2000-06-01. Review status: no assertion criteria provided. Collection method: literature only. Allele origin: germline. Not counted in ClinVar's aggregate classification.

Literature cited by the submitters: PubMed 10835638 (cited by Labcorp Genetics (formerly Invitae), Labcorp and OMIM).

NM_003244.4(TGIF1):c.485C>T (p.Ser162Phe)

Gene: TGIF1 (TGFB induced factor homeobox 1; plus strand). Cytogenetic location: 18p11.31.
Variant type: single nucleotide variant.
Coding change: c.485C>T on transcript NM_003244.4 (MANE Select); coding-DNA position 485, C replaced by T.
Protein change: p.Ser162Phe; replaces serine 162 with phenylalanine.
Molecular consequence: missense variant.
Genome position (GRCh38, 1-based): chr18:3,457,606, C>T. VCF-style: chr18-3457606-C-T. GRCh37 (hg19) VCF-style: chr18-3457604-C-T.
Other names: c.494C>T, p.Ser165Phe (NM_001278682.2); c.485C>T, p.Ser162Phe (NM_001278684.2, NM_173208.3); c.425C>T, p.Ser142Phe (NM_001278686.3, NM_001374396.1, NM_001374397.1 and 5 more transcripts); c.527C>T, p.Ser176Phe (NM_173207.4); short protein forms S162F, S165F, S176F, S142F.
Identifiers: ClinVar variation 6982 (VCV000006982.5), dbSNP rs121909069, ClinGen allele CA254030.